The following is an entry in ClinVar:

ClinVar aggregate classification (germline): Uncertain significance (1 of 4 stars; one submission).

Submission:

GeneDx
Classification: Uncertain significance. Last evaluated: 2019-10-21. Review status: criteria provided, single submitter. Criteria: GeneDx Variant Classification Process June 2021. Collection method: clinical testing. Allele origin: germline. Affected: yes.
Comment: Not observed in large population cohorts (Lek et al., 2016); In silico analysis, which includes protein predictors and evolutionary conservation, supports a deleterious effect; Has not been previously published as pathogenic or benign to our knowledge

NM_001330078.2(NRXN1):c.2555T>A (p.Ile852Asn)

Gene: NRXN1 (neurexin 1; minus strand). Cytogenetic location: 2p16.3.
Variant type: single nucleotide variant.
Coding change: c.2555T>A on transcript NM_001330078.2 (MANE Select); coding-DNA position 2555, T replaced by A.
Protein change: p.Ile852Asn; replaces isoleucine 852 with asparagine.
Molecular consequence: missense variant.
Genome position (GRCh38, 1-based): chr2:50,497,657, A>T on the plus strand (T>A on the coding strand, the complement: NRXN1 is on the minus strand). VCF-style: chr2-50497657-A-T. GRCh37 (hg19) VCF-style: chr2-50724795-A-T.
Other names: c.2675T>A, p.Ile892Asn (NM_001135659.3); c.2531T>A, p.Ile844Asn (NM_001330077.2, NM_001330082.2); c.2489T>A, p.Ile830Asn (NM_001330083.2, NM_001330084.2); c.2528T>A, p.Ile843Asn (NM_001330085.2); c.2555T>A, p.Ile852Asn (NM_001330086.2, NM_004801.6); c.2444T>A, p.Ile815Asn (NM_001330087.2, NM_001330096.2); c.2474T>A, p.Ile825Asn (NM_001330088.2); c.2552T>A, p.Ile851Asn (NM_001330093.2); and 2 more; short protein forms I815N, I825N, I830N, I835N, I843N, I844N, I848N, I851N.
Identifiers: ClinVar variation 1215849 (VCV001215849.3), dbSNP rs2104920628, ClinGen allele CA346777381.